The following is an entry in ClinVar:

NM_000925.4(PDHB):c.132T>C (p.Asp44=)

Gene: PDHB (pyruvate dehydrogenase E1 subunit beta; minus strand). Cytogenetic location: 3p14.3.
Variant type: single nucleotide variant.
Coding change: c.132T>C on transcript NM_000925.4 (MANE Select); coding-DNA position 132, T replaced by C.
Protein change: p.Asp44=; no amino-acid change (aspartic acid 44 retained).
Molecular consequence: synonymous variant. On other transcripts: non-coding transcript variant (1).
Genome position (GRCh38, 1-based): chr3:58,431,949, A>G on the plus strand (T>C on the coding strand, the complement: PDHB is on the minus strand). VCF-style: chr3-58431949-A-G. GRCh37 (hg19) VCF-style: chr3-58417676-A-G.
Other names: p.D44D:GAT>GAC; c.132T>C, p.Asp44= (NM_001173468.2); c.78T>C, p.Asp26= (NM_001315536.2).
Identifiers: ClinVar variation 138648 (VCV000138648.49), dbSNP rs11542399, ClinGen allele CA292723.

ClinVar aggregate classification (germline): Benign/Likely benign. Review status: criteria provided, multiple submitters, no conflicts (2 of 4 stars). 10 submissions from 10 submitters: Benign (2); Likely benign (4). 4 of the submissions do not count toward it. Last evaluated 2026-09-01.

Conditions:
Pyruvate dehydrogenase complex deficiency (PDHC). Also called: Pyruvate Dehydrogenase Complex Deficiency Disease; PDH DEFICIENCY; PYRUVATE DECARBOXYLASE DEFICIENCY; Pyruvate dehydrogenase deficiency; Ataxia with lactic acidosis 1. Identifiers: Orphanet 765, Orphanet 79243, MedGen C0034345, MONDO:0019169.
Pyruvate dehydrogenase E1-beta deficiency (PDHBD). Identifiers: Orphanet 255138, Orphanet 765, MedGen C3279841, MONDO:0013580, OMIM 614111.

Allele frequency attached by ClinVar (database versions not stated): 1000 Genomes Project 30x 0.00172; 1000 Genomes Project 0.00180; TOPMed 0.00197; ESP Exome Variant Server 0.00208; gnomAD 0.00211 and 0.00216; gnomAD exomes 0.00237 and 0.00239; ExAC 0.00266.
gnomAD v4.1: 3,851 of 1,613,904 alleles (0.24%); highest among the groups gnomAD compares: Non-Finnish European, 0.26%; 7 homozygotes.

Submissions (10):

CeGaT Center for Human Genetics Tuebingen
Classification: Likely benign. Last evaluated: 2026-09-01. Review status: criteria provided, single submitter. Criteria: CeGaT Center For Human Genetics Tuebingen Variant Classification Criteria Version 2. Collection method: clinical testing. Allele origin: germline. Affected: yes. Observed: 4 variant alleles.
Comment: PDHB: BP4, BP7

Labcorp Genetics (formerly Invitae), Labcorp
Classification: Benign for Pyruvate dehydrogenase E1-beta deficiency. Last evaluated: 2026-02-02. Review status: criteria provided, single submitter. Criteria: Invitae Variant Classification Sherloc (09022015). Collection method: clinical testing. Allele origin: germline.

Blueprint Genetics
Classification: Likely benign. Last evaluated: 2024-11-18. Review status: criteria provided, single submitter. Criteria: ACMG Guidelines, 2015. Collection method: clinical testing. Allele origin: germline.

Illumina Laboratory Services, Illumina
Classification: Likely benign for Pyruvate dehydrogenase E1-beta deficiency. Last evaluated: 2018-01-13. Review status: criteria provided, single submitter. Criteria: ICSL Variant Classification Criteria 13 December 2019. Collection method: clinical testing. Allele origin: germline.
Comment: This variant was observed in the ICSL laboratory as part of a predisposition screen in an ostensibly healthy population. It had not been previously curated by ICSL or reported in the Human Gene Mutation Database (HGMD: prior to June 1st, 2018), and was therefore a candidate for classification through an automated scoring system. Utilizing variant allele frequency, disease prevalence and penetrance estimates, and inheritance mode, an automated score was calculated to assess if this variant is too frequent to cause the disease. Based on the score and internal cut-off values, a variant classified as likely benign is not then subjected to further curation. The score for this variant resulted in a classification of likely benign for this disease.

GeneDx
Classification: Benign. Last evaluated: 2013-12-17. Review status: criteria provided, single submitter. Criteria: GeneDx Variant Classification (06012015). Collection method: clinical testing. Allele origin: germline. Affected: yes.
Comment: This variant is considered likely benign or benign based on one or more of the following criteria: it is a conservative change, it occurs at a poorly conserved position in the protein, it is predicted to be benign by multiple in silico algorithms, and/or has population frequency not consistent with disease.

Breakthrough Genomics
Classification: Likely benign. Review status: criteria provided, single submitter. Criteria: ACMG Guidelines, 2015. Collection method: not provided. Allele origin: germline. Inheritance: Autosomal recessive inheritance. Affected: yes.

Natera, Inc.
Classification: Benign for Pyruvate decarboxylase deficiency. Last evaluated: 2020-09-16. Review status: no assertion criteria provided. Collection method: clinical testing. Allele origin: germline. Not counted in ClinVar's aggregate classification.

Mayo Clinic Laboratories, Mayo Clinic
Classification: Likely benign. Last evaluated: 2016-02-22. Review status: no assertion criteria provided. Collection method: clinical testing. Allele origin: unknown. Not counted in ClinVar's aggregate classification.

Clinical Genetics DNA and cytogenetics Diagnostics Lab, Erasmus MC, Erasmus Medical Center
Classification: Likely benign. Review status: no assertion criteria provided. Collection method: clinical testing. Allele origin: germline. Affected: yes. Study: VKGL Data-share Consensus. Not counted in ClinVar's aggregate classification.

Diagnostic Laboratory, Department of Genetics, University Medical Center Groningen
Classification: Likely benign. Review status: no assertion criteria provided. Collection method: clinical testing. Allele origin: germline. Affected: yes. Study: VKGL Data-share Consensus. Not counted in ClinVar's aggregate classification.